The following is an entry in ClinVar:

ClinVar aggregate classification (germline): Uncertain significance. Review status: criteria provided, multiple submitters, no conflicts (2 of 4 stars). 5 submissions from 5 submitters: Uncertain significance (5). Last evaluated 2025-03-11.

Conditions:
Inborn genetic diseases. Identifiers: MedGen C0950123, MeSH D030342.
Deafness-lymphedema-leukemia syndrome. Also called: Lymphedema, primary, with myelodysplasia; Emberger syndrome. Identifiers: Orphanet 3226, MedGen C3279664, MONDO:0013540, OMIM 614038.
Monocytopenia with susceptibility to infections. Also called: MONOCYTOPENIA AND MYCOBACTERIAL INFECTION SYNDROME; MONOCYTOPENIA WITH SUSCEPTIBILITY TO MYCOBACTERIAL, FUNGAL, AND PAPILLOMAVIRUS INFECTIONS AND MYELODYSPLASIA; COMBINED IMMUNODEFICIENCY WITH SUSCEPTIBILITY TO MYCOBACTERIAL, VIRAL, AND FUNGAL INFECTIONS; IMMUNODEFICIENCY 21; Dendritic cell, monocyte, B lymphocyte, and natural killer lymphocyte deficiency; GATA2 DEFICIENCY. Identifiers: Orphanet 228423, MedGen C3280030, MONDO:0013607, OMIM 614172.
GATA2 deficiency with susceptibility to MDS/AML. Identifiers: MedGen CN300066, MONDO:0042982.

Submissions (5):

Molecular Pathology, Peter Maccallum Cancer Centre
Classification: Uncertain significance for GATA2 deficiency with susceptibility to MDS/AML. Last evaluated: 2025-03-11. Review status: criteria provided, single submitter. Criteria: ACMG Guidelines, 2015. Collection method: clinical testing. Allele origin: germline. Inheritance: Autosomal dominant inheritance.

Ambry Genetics
Classification: Uncertain significance for Inborn genetic diseases. Last evaluated: 2025-02-27. Review status: criteria provided, single submitter. Criteria: Ambry Variant Classification Scheme 2023. Collection method: clinical testing. Allele origin: germline.
Comment: The p.G346S variant (also known as c.1036G>A), located in coding exon 4 of the GATA2 gene, results from a G to A substitution at nucleotide position 1036. The glycine at codon 346 is replaced by serine, an amino acid with similar properties. This amino acid position is highly conserved in available vertebrate species. In addition, this alteration is predicted to be deleterious by in silico analysis. Based on the available evidence, the clinical significance of this variant remains unclear.

Labcorp Genetics (formerly Invitae), Labcorp
Classification: Uncertain significance for Monocytopenia with susceptibility to infections; Deafness-lymphedema-leukemia syndrome. Last evaluated: 2023-06-27. Review status: criteria provided, single submitter. Criteria: Invitae Variant Classification Sherloc (09022015). Collection method: clinical testing. Allele origin: germline.
Comment: In summary, the available evidence is currently insufficient to determine the role of this variant in disease. Therefore, it has been classified as a Variant of Uncertain Significance. Advanced modeling of protein sequence and biophysical properties (such as structural, functional, and spatial information, amino acid conservation, physicochemical variation, residue mobility, and thermodynamic stability) has been performed at Invitae for this missense variant, however the output from this modeling did not meet the statistical confidence thresholds required to predict the impact of this variant on GATA2 protein function. ClinVar contains an entry for this variant (Variation ID: 581129). This missense change has been observed in individual(s) with clinical features of GATA2 deficiency (PMID: 30578959). This variant is not present in population databases (gnomAD no frequency). This sequence change replaces glycine, which is neutral and non-polar, with serine, which is neutral and polar, at codon 346 of the GATA2 protein (p.Gly346Ser).

Molecular Pathology Research Laboratory, SA Pathology
Classification: Uncertain significance for GATA2 deficiency with susceptibility to MDS/AML; Deafness-lymphedema-leukemia syndrome. Last evaluated: 2021-07-06. Review status: criteria provided, single submitter. Criteria: ACMG Guidelines, 2015. Collection method: curation. Allele origin: unknown. Inheritance: Autosomal dominant inheritance. Affected: yes. Observed: 1 variant allele.
Comment: PS4_Supporting, PM2, PP3

Genetic Services Laboratory, University of Chicago
Classification: Uncertain significance. Last evaluated: 2018-03-27. Review status: criteria provided, single submitter. Criteria: ACMG Guidelines, 2015. Collection method: clinical testing. Allele origin: germline. Affected: no.

Literature cited by the submitters: PubMed 30578959 (cited by 3 submitters).

NM_032638.5(GATA2):c.1036G>A (p.Gly346Ser)

Gene: GATA2 (GATA binding protein 2; minus strand). Cytogenetic location: 3q21.3.
Variant type: single nucleotide variant.
Coding change: c.1036G>A on transcript NM_032638.5 (MANE Select); coding-DNA position 1036, G replaced by A.
Protein change: p.Gly346Ser; replaces glycine 346 with serine.
Molecular consequence: missense variant. On other transcripts: intron variant (1).
Genome position (GRCh38, 1-based): chr3:128,481,926, C>T on the plus strand (G>A on the coding strand, the complement: GATA2 is on the minus strand). VCF-style: chr3-128481926-C-T. GRCh37 (hg19) VCF-style: chr3-128200769-C-T.
Other names: c.1036G>A, p.Gly346Ser (NM_001145661.2); c.1018-24G>A (NM_001145662.1); short protein forms G346S.
Identifiers: ClinVar variation 581129 (VCV000581129.15), dbSNP rs1559985135, ClinGen allele CA354413679.